The following is an entry in ClinVar:

ClinVar aggregate classification (germline): Benign. Review status: no assertion criteria provided (0 of 4 stars). 2 submissions from 1 submitter: Benign (1). 1 of the submissions does not count toward it. Last evaluated 2013-08-05.

Submissions (2):

ISCA site 4
Classification: Benign. Last evaluated: 2013-08-05. Review status: no assertion criteria provided. Collection method: clinical testing. Allele origin: unknown. Affected: yes. Observed: 34 variant alleles. Clinical features observed: Abnormality of the nervous system (HP:0000707), Developmental delay AND/OR other significant developmental or morphological phenotypes, Autism (HP:0000717), Failure to thrive (HP:0001508), Global developmental delay (HP:0001263), Poor coordination (HP:0002370), Myelomeningocele (HP:0002475), Delayed speech and language development (HP:0002117), Hyperactivity (HP:0000752), Abnormality of the respiratory system (HP:0002086), Autistic behavior (HP:0000729), Focal seizures with impairment of consciousness or awareness (HP:0002384), and 4 more.

ISCA site 4
Classification: Benign. Last evaluated: 2011-08-12. Review status: flagged submission. Criteria: Kaminsky et al. (Genet Med. 2011). Collection method: clinical testing. Allele origin: unknown. Affected: yes. Observed: 15 variant alleles. Clinical features observed: Developmental delay AND/OR other significant developmental or morphological phenotypes, Abnormality of the nervous system (HP:0000707), Abnormal facial shape (HP:0001999), Abnormality of cardiac morphology (HP:0001627), Global developmental delay (HP:0001263), Behavioral abnormality (HP:0000708), Autism (HP:0000717), Hypospadias (HP:0000047), Renal agenesis (HP:0000104). Not counted in ClinVar's aggregate classification.
Comment: Copy number variation identified through the course of routine clinical cytogenomic testing in postnatal populations. Clinical assertions have been curated as described in Kaminsky et al. 2011.
ClinVar note: Reason: This record appears to be redundant with a more recent record from the same submitter.
ClinVar note: Notes: SCV000077558 appears to be redundant with SCV000172965.

GRCh38/hg38 10q11.22(chr10:46157935-47923579)x3

Genes: AGAP10 (ArfGAP with GTPase domain, ankyrin repeat and PH domain 10), AGAP9 (ArfGAP with GTPase domain, ankyrin repeat and PH domain 9; minus strand), ANTXRL (ANTXR like; plus strand), ANXA8 (annexin A8; minus strand), ANXA8L1 (annexin A8 like 1; plus strand) and 31 more. Cytogenetic location: 10q11.22.
Variant type: copy number gain.
Change: copy number 3 (three copies instead of two) of chr10:46,157,935-47,923,579 (1.77 Mb, GRCh38 coordinates, 1-based), cytogenetic band 10q11.22.
Identifiers: ClinVar variation 32317 (VCV000032317.3).